The following is an entry in ClinVar:

NM_018136.5(ASPM):c.3483_3484del (p.Ile1161fs)

Gene: ASPM (assembly factor for spindle microtubules; minus strand). Cytogenetic location: 1q31.3.
Variant type: Microsatellite.
Coding change: c.3483_3484del on transcript NM_018136.5 (MANE Select); coding-DNA positions 3483 to 3484, 2 bases deleted (AT; older notation c.3483_3484delAT).
Protein change: p.Ile1161fs; shifts the reading frame from isoleucine 1161.
Molecular consequence: frameshift variant.
Genome position (GRCh38, 1-based): chr1:197,122,502-197,122,503, AT deleted on the plus strand (AT on the coding strand, the reverse complement: ASPM is on the minus strand); deleting any 2 consecutive bases within chr1:197,122,502-197,122,506 gives the same sequence; the c. name uses the placement nearest the transcript's 3' end. VCF-style (leftmost placement, unchanged base first): chr1-197122501-CAT-C. GRCh37 (hg19) VCF-style: chr1-197091631-CAT-C.
Other names: c.3483_3484del, p.Ile1161fs (NM_001206846.2); c.3483_3484delAT (NM_018136.5); short protein forms I1161fs.
Identifiers: ClinVar variation 3902244 (VCV003902244.1).

ClinVar aggregate classification (germline): Pathogenic (1 of 4 stars; one submission).

Conditions:
Autosomal recessive primary microcephaly. Identifiers: Orphanet 2512, MedGen C3711387, MONDO:0016660.

Submission:

Women's Health and Genetics/Laboratory Corporation of America, LabCorp
Classification: Pathogenic for Autosomal recessive primary microcephaly. Last evaluated: 2025-05-29. Review status: criteria provided, single submitter. Criteria: LabCorp Variant Classification Summary - May 2015. Collection method: clinical testing. Allele origin: germline.
Comment: Variant summary: ASPM c.3483_3484delAT (p.Ile1161MetfsX23) results in a premature termination codon, predicted to cause a truncation of the encoded protein or absence of the protein due to nonsense mediated decay, which are commonly known mechanisms for disease. The variant was absent in 250454 control chromosomes. c.3483_3484delAT has been observed in individual(s) affected with Primary microcephaly (example: Dawidziuk_2021). The following publication has been ascertained in the context of this evaluation (PMID: 34946966). No submitters have cited clinical-significance assessments for this variant to ClinVar. Based on the evidence outlined above, the variant was classified as pathogenic.

Literature cited by the submitters: PubMed 34946966.